The following is an entry in ClinVar:

NM_001429.4(EP300):c.3590+4A>T

Gene: EP300 (EP300 lysine acetyltransferase; plus strand). Cytogenetic location: 22q13.2.
Variant type: single nucleotide variant.
Coding change: c.3590+4A>T on transcript NM_001429.4 (MANE Select); 4 bases into the intron after coding-DNA position 3590, A replaced by T.
Molecular consequence: intron variant.
Genome position (GRCh38, 1-based): chr22:41,158,504, A>T. VCF-style: chr22-41158504-A-T. GRCh37 (hg19) VCF-style: chr22-41554508-A-T.
Other names: c.3512+4A>T (NM_001362843.2); c.3590+4A>T (NM_001429.3).
Identifiers: ClinVar variation 2879246 (VCV002879246.6), dbSNP rs1285602759, ClinGen allele CA639443878.

ClinVar aggregate classification (germline): Uncertain significance. Review status: criteria provided, multiple submitters, no conflicts (2 of 4 stars). 3 submissions from 3 submitters: Uncertain significance (2). 1 of the submissions does not count toward it. Last evaluated 2025-04-08.

Conditions:
Inborn genetic diseases. Identifiers: MedGen C0950123, MeSH D030342.
Rubinstein-Taybi syndrome due to EP300 haploinsufficiency. Also called: RUBINSTEIN-TAYBI SYNDROME 2; EP300-Related Rubinstein-Taybi Syndrome. Identifiers: Orphanet 353284, Orphanet 783, MedGen C3150941, MONDO:0013364, OMIM 613684.
EP300-related disorder. Also called: EP300-related condition; EP300-related disorders.

Allele frequency attached by ClinVar (database versions not stated): TOPMed 0.00001; gnomAD 0.00002.
gnomAD v4.1: 23 of 1,613,582 alleles (0.0014%); highest among the groups gnomAD compares: Non-Finnish European, 0.0017%; no homozygotes.

Submissions (3):

Ambry Genetics
Classification: Uncertain significance for Inborn genetic diseases. Last evaluated: 2025-04-08. Review status: criteria provided, single submitter. Criteria: Ambry Variant Classification Scheme 2023. Collection method: clinical testing. Allele origin: germline.
Comment: The c.3590+4A>T intronic alteration consists of a A to T substitution nucleotides after coding exon 19 in the EP300 gene. Based on insufficient or conflicting evidence, the clinical significance of this alteration remains unclear.

Labcorp Genetics (formerly Invitae), Labcorp
Classification: Uncertain significance for Rubinstein-Taybi syndrome due to EP300 haploinsufficiency. Last evaluated: 2024-09-29. Review status: criteria provided, single submitter. Criteria: Invitae Variant Classification Sherloc (09022015). Collection method: clinical testing. Allele origin: germline.
Comment: This sequence change falls in intron 19 of the EP300 gene. It does not directly change the encoded amino acid sequence of the EP300 protein. It affects a nucleotide within the consensus splice site. This variant is present in population databases (no rsID available, gnomAD 0.007%). This variant has not been reported in the literature in individuals affected with EP300-related conditions. Variants that disrupt the consensus splice site are a relatively common cause of aberrant splicing (PMID: 17576681, 9536098). Algorithms developed to predict the effect of sequence changes on RNA splicing suggest that this variant is not likely to affect RNA splicing. In summary, the available evidence is currently insufficient to determine the role of this variant in disease. Therefore, it has been classified as a Variant of Uncertain Significance.

PreventionGenetics, part of Exact Sciences
Classification: Likely benign for EP300-related condition. Last evaluated: 2023-09-05. Review status: no assertion criteria provided. Collection method: clinical testing. Allele origin: germline. Not counted in ClinVar's aggregate classification.
Comment: This variant is classified as likely benign based on ACMG/AMP sequence variant interpretation guidelines (Richards et al. 2015 PMID: 25741868, with internal and published modifications).

Literature cited by the submitters: PubMed 17576681 (cited by Labcorp Genetics (formerly Invitae), Labcorp); PubMed 9536098 (cited by Labcorp Genetics (formerly Invitae), Labcorp).